The following is an entry in ClinVar:

ClinVar aggregate classification (germline): Likely benign (1 of 4 stars; one submission).

Submission:

CeGaT Center for Human Genetics Tuebingen
Classification: Likely benign. Last evaluated: 2024-02-01. Review status: criteria provided, single submitter. Criteria: CeGaT Center For Human Genetics Tuebingen Variant Classification Criteria Version 2. Collection method: clinical testing. Allele origin: germline. Affected: yes. Observed: 1 variant allele.
Comment: AGBL1: BP4, BP7

NM_001386094.1(AGBL1):c.1620C>G (p.Pro540=)

Gene: AGBL1 (AGBL carboxypeptidase 1; plus strand). Cytogenetic location: 15q25.3.
Variant type: single nucleotide variant.
Coding change: c.1620C>G on transcript NM_001386094.1 (MANE Select); coding-DNA position 1620, C replaced by G.
Protein change: p.Pro540=; no amino-acid change (proline 540 retained).
Molecular consequence: synonymous variant.
Genome position (GRCh38, 1-based): chr15:86,264,791, C>G. VCF-style: chr15-86264791-C-G. GRCh37 (hg19) VCF-style: chr15-86808022-C-G.
Other names: c.1620C>G, p.Pro540= (NM_152336.4).
Identifiers: ClinVar variation 2645665 (VCV002645665.24), dbSNP rs2079047503, ClinGen allele CA492282404.